The following is an entry in ClinVar:

NM_000942.5(PPIB):c.-5dup

Gene: PPIB (peptidylprolyl isomerase B; minus strand). Cytogenetic location: 15q22.31.
Variant type: Duplication.
Coding change: c.-5dup on transcript NM_000942.5 (MANE Select); 5 bases upstream of the start codon, one base duplicated (T; older notation c.-5dupT).
Molecular consequence: 5 prime UTR variant.
Genome position (GRCh38, 1-based): chr15:64,162,991, A duplicated on the plus strand (T on the coding strand, the reverse complement: PPIB is on the minus strand). VCF-style (leftmost placement, unchanged base first): chr15-64162990-C-CA. GRCh37 (hg19) VCF-style: chr15-64455189-C-CA.
Other names: c.-5dupT (NM_000942.4).
Identifiers: ClinVar variation 3042184 (VCV003042184.2), dbSNP rs1555496444, ClinGen allele CA7608644.

ClinVar aggregate classification (germline): Likely benign (0 of 4 stars; one submission).

Conditions:
PPIB-related disorder. Also called: PPIB-related condition.

Allele frequency attached by ClinVar (database versions not stated): ExAC 0.00005; gnomAD 0.00009; TOPMed 0.00011; gnomAD exomes 0.00018.

Submission:

PreventionGenetics, part of Exact Sciences
Classification: Likely benign for PPIB-related condition. Last evaluated: 2019-05-15. Review status: no assertion criteria provided. Collection method: clinical testing. Allele origin: germline.
Comment: This variant is classified as likely benign based on ACMG/AMP sequence variant interpretation guidelines (Richards et al. 2015 PMID: 25741868, with internal and published modifications).